The following is an entry in ClinVar:

ClinVar aggregate classification (germline): Pathogenic (1 of 4 stars; one submission).

Conditions:
Hypertrophic cardiomyopathy 4. Also called: Familial hypertrophic cardiomyopathy 4. Identifiers: MedGen C1861862, MONDO:0007268, OMIM 115197.

Submission:

3billion
Classification: Pathogenic for Hypertrophic cardiomyopathy 4. Last evaluated: 2024-07-17. Review status: criteria provided, single submitter. Criteria: ACMG Guidelines, 2015. Collection method: clinical testing. Allele origin: germline. Affected: yes.
Comment: The variant is not observed in the gnomAD v4.0.0 dataset. Predicted Consequence/Location: Frameshift: predicted to result in a loss or disruption of normal protein function through nonsense-mediated decay (NMD) or protein truncation. Multiple pathogenic variants are reported downstream of the variant. The variant has been reported to be associated with MYBPC3 related disorder (ClinVar ID: VCV001687241). Therefore, this variant is classified as Pathogenic according to the recommendation of ACMG/AMP guideline.

NM_000256.3(MYBPC3):c.3768_3771del (p.Asn1257fs)

Gene: MYBPC3 (myosin binding protein C3; minus strand). Cytogenetic location: 11p11.2.
Variant type: Deletion.
Coding change: c.3768_3771del on transcript NM_000256.3 (MANE Select); coding-DNA positions 3768 to 3771, 4 bases deleted (CAAC; older notation c.3768_3771delCAAC).
Protein change: p.Asn1257fs; shifts the reading frame from asparagine 1257.
Molecular consequence: frameshift variant.
Genome position (GRCh38, 1-based): chr11:47,332,115-47,332,118, GTTG deleted on the plus strand (CAAC on the coding strand, the reverse complement: MYBPC3 is on the minus strand); deleting any 4 consecutive bases within chr11:47,332,115-47,332,120 gives the same sequence; the c. name uses the placement nearest the transcript's 3' end. VCF-style (leftmost placement, unchanged base first): chr11-47332114-AGTTG-A. GRCh37 (hg19) VCF-style: chr11-47353665-AGTTG-A.
Other names: short protein forms N1257fs.
Identifiers: ClinVar variation 1687241 (VCV001687241.2), dbSNP rs2142849245, ClinGen allele CA2573146355.